The following is an entry in ClinVar:

NM_013450.4(BAZ2B):c.1852G>C (p.Glu618Gln)

Gene: BAZ2B (bromodomain adjacent to zinc finger domain 2B; minus strand). Cytogenetic location: 2q24.2.
Variant type: single nucleotide variant.
Coding change: c.1852G>C on transcript NM_013450.4 (MANE Select); coding-DNA position 1852, G replaced by C.
Protein change: p.Glu618Gln; replaces glutamic acid 618 with glutamine.
Molecular consequence: missense variant.
Genome position (GRCh38, 1-based): chr2:159,432,805, C>G on the plus strand (G>C on the coding strand, the complement: BAZ2B is on the minus strand). VCF-style: chr2-159432805-C-G. GRCh37 (hg19) VCF-style: chr2-160289316-C-G.
Other names: c.1846G>C, p.Glu616Gln (NM_001289975.1); c.1663G>C, p.Glu555Gln (NM_001329857.2); c.1852G>C, p.Glu618Gln (NM_001329858.2); short protein forms E618Q, E555Q, E616Q.
Identifiers: ClinVar variation 2698365 (VCV002698365.3), dbSNP rs1470672162, ClinGen allele CA348938560.

ClinVar aggregate classification (germline): Uncertain significance (1 of 4 stars; one submission).

Allele frequency attached by ClinVar (database versions not stated): gnomAD 0.00001; gnomAD exomes 0.00001; TOPMed 0.00001.
gnomAD v4.1: 5 of 1,613,668 alleles (0.00031%); highest among the groups gnomAD compares: Non-Finnish European, 0.00042%; no homozygotes.

Submission:

Labcorp Genetics (formerly Invitae), Labcorp
Classification: Uncertain significance. Last evaluated: 2023-11-24. Review status: criteria provided, single submitter. Criteria: Invitae Variant Classification Sherloc (09022015). Collection method: clinical testing. Allele origin: germline.
Comment: This sequence change replaces glutamic acid, which is acidic and polar, with glutamine, which is neutral and polar, at codon 616 of the BAZ2B protein (p.Glu616Gln). This variant is not present in population databases (gnomAD no frequency). This variant has not been reported in the literature in individuals affected with BAZ2B-related conditions. Experimental studies and prediction algorithms are not available or were not evaluated, and the functional significance of this variant is currently unknown. In summary, the available evidence is currently insufficient to determine the role of this variant in disease. Therefore, it has been classified as a Variant of Uncertain Significance.